The following is an entry in ClinVar:

ClinVar aggregate classification (germline): Uncertain significance (1 of 4 stars; one submission).

Allele frequency attached by ClinVar (database versions not stated): gnomAD exomes below 0.00001.
gnomAD v4.1: 1 of 1,210,958 alleles (0.000083%); highest among the groups gnomAD compares: Non-Finnish European, 0.00011%; no homozygotes.

Submission:

Labcorp Genetics (formerly Invitae), Labcorp
Classification: Uncertain significance. Last evaluated: 2022-07-26. Review status: criteria provided, single submitter. Criteria: Invitae Variant Classification Sherloc (09022015). Collection method: clinical testing. Allele origin: germline.
Comment: In summary, the available evidence is currently insufficient to determine the role of this variant in disease. Therefore, it has been classified as a Variant of Uncertain Significance. Algorithms developed to predict the effect of missense changes on protein structure and function (SIFT, PolyPhen-2, Align-GVGD) all suggest that this variant is likely to be disruptive. This variant has not been reported in the literature in individuals affected with DRP2-related conditions. This variant is not present in population databases (gnomAD no frequency). This sequence change replaces arginine, which is basic and polar, with histidine, which is basic and polar, at codon 487 of the DRP2 protein (p.Arg487His).

NM_001939.3(DRP2):c.1460G>A (p.Arg487His)

Gene: DRP2 (dystrophin related protein 2; plus strand). Cytogenetic location: Xq22.1.
Variant type: single nucleotide variant.
Coding change: c.1460G>A on transcript NM_001939.3 (MANE Select); coding-DNA position 1460, G replaced by A.
Protein change: p.Arg487His; replaces arginine 487 with histidine.
Molecular consequence: missense variant.
Genome position (GRCh38, 1-based): chrX:101,248,519, G>A. VCF-style: chrX-101248519-G-A. GRCh37 (hg19) VCF-style: chrX-100503508-G-A.
Other names: c.1226G>A, p.Arg409His (NM_001171184.2); short protein forms R409H, R487H.
Identifiers: ClinVar variation 2059925 (VCV002059925.4), dbSNP rs745315795, ClinGen allele CA10472278.
Genomic context (GRCh38, chrX:101,248,519, plus strand): 5'-AGATGTTAACCCTTTACATACATTCATATTCTCAGTCTCTTCTTTTTAAACCTAGTGGTC[G>A]CAGCGGAAAGATGCGGGCATTGTCTTTTAAGACTGGCATTGCATGCTTGTGTGGCACGGA-3'
Protein context (NP_001930.2, residues 477-497): NWLLNVFDSG[Arg487His]SGKMRALSFK